The following is an entry in ClinVar:

NM_001966.4(EHHADH):c.427A>C (p.Thr143Pro)

Gene: EHHADH (enoyl-CoA hydratase and 3-hydroxyacyl CoA dehydrogenase; minus strand). Cytogenetic location: 3q27.2.
Variant type: single nucleotide variant.
Coding change: c.427A>C on transcript NM_001966.4 (MANE Select); coding-DNA position 427, A replaced by C.
Protein change: p.Thr143Pro; replaces threonine 143 with proline.
Molecular consequence: missense variant.
Genome position (GRCh38, 1-based): chr3:185,229,468, T>G on the plus strand (A>C on the coding strand, the complement: EHHADH is on the minus strand). VCF-style: chr3-185229468-T-G. GRCh37 (hg19) VCF-style: chr3-184947256-T-G.
Other names: p.Thr143Pro; c.427A>C (NM_001966.3); c.139A>C, p.Thr47Pro (NM_001166415.2); short protein forms T143P, T47P.
Identifiers: ClinVar variation 596215 (VCV000596215.8), dbSNP rs371383786, ClinGen allele CA2739226.

ClinVar aggregate classification (germline): Conflicting classifications of pathogenicity. Review status: criteria provided, conflicting classifications (1 of 4 stars). 4 submissions from 4 submitters: Uncertain significance (2); Likely benign (1). 1 of the submissions does not count toward it. Last evaluated 2025-06-07.

Conditions:
EHHADH-related disorder. Also called: EHHADH-related condition.

Allele frequency attached by ClinVar (database versions not stated): gnomAD 0.00003 and 0.00004; TOPMed 0.00002; ExAC 0.00003; gnomAD exomes 0.00005; ESP Exome Variant Server 0.00008.
gnomAD v4.1: 35 of 1,568,392 alleles (0.0022%); highest among the groups gnomAD compares: Non-Finnish European, 0.000087%; no homozygotes.

Submissions (4):

Ambry Genetics
Classification: Uncertain significance. Last evaluated: 2025-06-07. Review status: criteria provided, single submitter. Criteria: Ambry Variant Classification Scheme 2023. Collection method: clinical testing. Allele origin: germline.

Mayo Clinic Laboratories, Mayo Clinic
Classification: Likely benign. Last evaluated: 2025-03-25. Review status: criteria provided, single submitter. Criteria: ACMG Guidelines, 2015. Collection method: clinical testing. Allele origin: germline. Observed: 1 variant allele.
Comment: BS2, BP4_moderate

Eurofins Ntd Llc (ga)
Classification: Uncertain significance. Last evaluated: 2018-03-06. Review status: criteria provided, single submitter. Criteria: EGL ClinVar v180209 classification definitions. Collection method: clinical testing. Allele origin: germline. Observed: 1 variant allele, 1 heterozygote.

PreventionGenetics, part of Exact Sciences
Classification: Uncertain significance for EHHADH-related condition. Last evaluated: 2024-03-29. Review status: no assertion criteria provided. Collection method: clinical testing. Allele origin: germline. Not counted in ClinVar's aggregate classification.
Comment: The EHHADH c.427A>C variant is predicted to result in the amino acid substitution p.Thr143Pro. To our knowledge, this variant has not been reported in the literature. This variant is reported in 0.10% of alleles in individuals of Ashkenazi Jewish descent in gnomAD. Although we suspect that this variant may be benign, at this time, the clinical significance of this variant is uncertain due to the absence of conclusive functional and genetic evidence.